The following is an entry in ClinVar:

NM_030665.4(RAI1):c.1279C>T (p.Leu427=)

Gene: RAI1 (retinoic acid induced 1; plus strand). Cytogenetic location: 17p11.2.
Variant type: single nucleotide variant.
Coding change: c.1279C>T on transcript NM_030665.4 (MANE Select); coding-DNA position 1279, C replaced by T.
Protein change: p.Leu427=; no amino-acid change (leucine 427 retained).
Molecular consequence: synonymous variant.
Genome position (GRCh38, 1-based): chr17:17,794,227, C>T. VCF-style: chr17-17794227-C-T. GRCh37 (hg19) VCF-style: chr17-17697541-C-T.
Identifiers: ClinVar variation 211999 (VCV000211999.81), dbSNP rs34898721, ClinGen allele CA207311.

ClinVar aggregate classification (germline): Benign/Likely benign. Review status: criteria provided, multiple submitters, no conflicts (2 of 4 stars). 7 submissions from 7 submitters: Benign (3); Likely benign (4). Last evaluated 2026-01-28.

Conditions:
Inborn genetic diseases. Identifiers: MedGen C0950123, MeSH D030342.

Allele frequency attached by ClinVar (database versions not stated): 1000 Genomes Project 30x 0.00031; 1000 Genomes Project 0.00040; TOPMed 0.00091; ExAC 0.00097; gnomAD exomes 0.00097 and 0.00106; gnomAD 0.00104 and 0.00105; ESP Exome Variant Server 0.00138.
gnomAD v4.1: 1,695 of 1,613,462 alleles (0.11%); highest among the groups gnomAD compares: Non-Finnish European, 0.12%; 2 homozygotes.

Submissions (7):

Labcorp Genetics (formerly Invitae), Labcorp
Classification: Benign. Last evaluated: 2026-01-28. Review status: criteria provided, single submitter. Criteria: Invitae Variant Classification Sherloc (09022015). Collection method: clinical testing. Allele origin: germline.

CeGaT Center for Human Genetics Tuebingen
Classification: Likely benign. Last evaluated: 2026-01-01. Review status: criteria provided, single submitter. Criteria: CeGaT Center For Human Genetics Tuebingen Variant Classification Criteria Version 2. Collection method: clinical testing. Allele origin: germline. Affected: yes. Observed: 6 variant alleles.
Comment: RAI1: BP4, BS1

Blueprint Genetics
Classification: Likely benign. Last evaluated: 2024-11-19. Review status: criteria provided, single submitter. Criteria: ACMG Guidelines, 2015. Collection method: clinical testing. Allele origin: germline.

GeneDx
Classification: Benign. Last evaluated: 2019-01-08. Review status: criteria provided, single submitter. Criteria: GeneDx Variant Classification Process June 2021. Collection method: clinical testing. Allele origin: germline. Affected: yes.

Ambry Genetics
Classification: Likely benign for Inborn genetic diseases. Last evaluated: 2016-11-29. Review status: criteria provided, single submitter. Criteria: Ambry Variant Classification Scheme 2023. Collection method: clinical testing. Allele origin: germline.

Genetic Services Laboratory, University of Chicago
Classification: Benign. Last evaluated: 2016-07-14. Review status: criteria provided, single submitter. Criteria: ACMG Guidelines, 2015. Collection method: clinical testing. Allele origin: germline. Affected: no.

Breakthrough Genomics
Classification: Likely benign. Review status: criteria provided, single submitter. Criteria: ACMG Guidelines, 2015. Collection method: not provided. Allele origin: germline. Inheritance: Autosomal dominant inheritance. Affected: yes.